The following is an entry in ClinVar:

ClinVar aggregate classification (germline): Uncertain significance (3 of 4 stars; one submission).

Conditions:
Open-angle glaucoma. Identifiers: MedGen C0017612, MONDO:0005338, HP:0012108.

Submission:

ClinGen Glaucoma Variant Curation Expert Panel
Classification: Uncertain significance for Open-angle glaucoma. Last evaluated: 2025-11-12. Review status: reviewed by expert panel. Criteria: ClinGen Glaucoma ACMG Specifications V2.0.0 Approved. Collection method: curation. Allele origin: germline. Inheritance: Autosomal dominant inheritance.
Comment: The c.960G>A variant in MYOC is a synonymous variant (p.Arg320=). This variant was not found in any genetic ancestry group of gnomAD (v4.1.0), meeting the ≤ 0.0001 threshold set for PM2_Supporting in a genetic ancestry group of at least 10,000 alleles. The SpliceAI score = 0, which met the ≤ 0.1 threshold for BP4, suggesting that the variant does not impact MYOC function. This synonymous variant meets BP4, so BP7 is met. There was no functional evidence predicting a damaging or benign impact of this variant on MYOC function. Only 1 proband with primary open angle glaucoma had been reported (ANZRAG [E Souzeau pers. comm.]), not meeting the ≥ 2 probands threshold required to meet PS4_Supporting. In summary, this variant met the criteria to receive a score of -1 and to be classified as a variant of uncertain significance (uncertain significance classification range -1 to 5, adapted from PMID: 32720330) for primary open angle glaucoma based on the ACMG/AMP criteria met, as specified by the ClinGen Glaucoma VCEP (v2.0.0, 5 Dec 2024): PM2_Supporting, BP4, BP7

NM_000261.2(MYOC):c.960G>A (p.Arg320=)

Gene: MYOC (myocilin; minus strand). Cytogenetic location: 1q24.3.
Variant type: single nucleotide variant.
Coding change: c.960G>A on transcript NM_000261.2 (MANE Select); coding-DNA position 960, G replaced by A.
Protein change: p.Arg320=; no amino-acid change (arginine 320 retained).
Molecular consequence: synonymous variant.
Genome position (GRCh38, 1-based): chr1:171,636,480, C>T on the plus strand (G>A on the coding strand, the complement: MYOC is on the minus strand). VCF-style: chr1-171636480-C-T. GRCh37 (hg19) VCF-style: chr1-171605620-C-T.
Other names: NM_000261.2:c.960G>A.
Identifiers: ClinVar variation 1810369 (VCV001810369.2), dbSNP rs2527839502, ClinGen allele CA421938611.